The following is an entry in ClinVar:

ClinVar aggregate classification (germline): Uncertain significance (1 of 4 stars; one submission).

Conditions:
Meckel-Gruber syndrome. Also called: DYSENCEPHALIA SPLANCHNOCYSTICA; GRUBER SYNDROME; Dysencephalia splachnocystica. Identifiers: Orphanet 564, MedGen C0265215, MONDO:0018921.
Joubert syndrome. Also called: CEREBELLOPARENCHYMAL DISORDER IV; JOUBERT-BOLTSHAUSER SYNDROME; Familial aplasia of the vermis. Identifiers: Orphanet 475, MedGen C5979921, MONDO:0018772.

Submission:

Labcorp Genetics (formerly Invitae), Labcorp
Classification: Uncertain significance for Joubert syndrome; Meckel-Gruber syndrome. Last evaluated: 2022-03-10. Review status: criteria provided, single submitter. Criteria: Invitae Variant Classification Sherloc (09022015). Collection method: clinical testing. Allele origin: germline.
Comment: This sequence change replaces glutamic acid, which is acidic and polar, with aspartic acid, which is acidic and polar, at codon 1009 of the RPGRIP1L protein (p.Glu1009Asp). This variant is not present in population databases (gnomAD no frequency). This variant has not been reported in the literature in individuals affected with RPGRIP1L-related conditions. Algorithms developed to predict the effect of missense changes on protein structure and function output the following: SIFT: "Tolerated"; PolyPhen-2: "Benign"; Align-GVGD: "Class C0". The aspartic acid amino acid residue is found in multiple mammalian species, which suggests that this missense change does not adversely affect protein function. In summary, the available evidence is currently insufficient to determine the role of this variant in disease. Therefore, it has been classified as a Variant of Uncertain Significance.

NM_015272.5(RPGRIP1L):c.3027A>T (p.Glu1009Asp)

Gene: RPGRIP1L (RPGRIP1 like; minus strand). Cytogenetic location: 16q12.2.
Variant type: single nucleotide variant.
Coding change: c.3027A>T on transcript NM_015272.5 (MANE Select); coding-DNA position 3027, A replaced by T.
Protein change: p.Glu1009Asp; replaces glutamic acid 1009 with aspartic acid.
Molecular consequence: missense variant. On other transcripts: intron variant (2).
Genome position (GRCh38, 1-based): chr16:53,638,343, T>A on the plus strand (A>T on the coding strand, the complement: RPGRIP1L is on the minus strand). VCF-style: chr16-53638343-T-A. GRCh37 (hg19) VCF-style: chr16-53672255-T-A.
Other names: c.3027A>T, p.Glu1009Asp (NM_001308334.3); c.2959-489A>T (NM_001127897.4, NM_001330538.2); short protein forms E1009D.
Identifiers: ClinVar variation 1490658 (VCV001490658.5), dbSNP rs2151040118, ClinGen allele CA395926564.